The following is an entry in ClinVar:

NM_001040108.2(MLH3):c.917A>G (p.Tyr306Cys)

Gene: MLH3 (mutL homolog 3; minus strand). Cytogenetic location: 14q24.3.
Variant type: single nucleotide variant.
Coding change: c.917A>G on transcript NM_001040108.2 (MANE Select); coding-DNA position 917, A replaced by G.
Protein change: p.Tyr306Cys; replaces tyrosine 306 with cysteine.
Molecular consequence: missense variant.
Genome position (GRCh38, 1-based): chr14:75,048,739, T>C on the plus strand (A>G on the coding strand, the complement: MLH3 is on the minus strand). VCF-style: chr14-75048739-T-C. GRCh37 (hg19) VCF-style: chr14-75515442-T-C.
Other names: c.917A>G, p.Tyr306Cys (NM_014381.3); c.917A>G (NM_001040108.1); short protein forms Y306C.
Identifiers: ClinVar variation 1061630 (VCV001061630.10), dbSNP rs2139594612, ClinGen allele CA390448757.

ClinVar aggregate classification (germline): Uncertain significance. Review status: criteria provided, multiple submitters, no conflicts (2 of 4 stars). 2 submissions from 2 submitters: Uncertain significance (2). Last evaluated 2024-04-07.

Conditions:
Colorectal cancer, hereditary nonpolyposis, type 7. Identifiers: Orphanet 144, MedGen C1858380, MONDO:0013725, OMIM 614385.

Allele frequency attached by ClinVar (database versions not stated): gnomAD exomes below 0.00001.
gnomAD v4.1: 1 of 1,614,162 alleles (0.000062%); highest among the groups gnomAD compares: Non-Finnish European, 0.000085%; no homozygotes.

Submissions (2):

Ambry Genetics
Classification: Uncertain significance. Last evaluated: 2024-04-07. Review status: criteria provided, single submitter. Criteria: Ambry Variant Classification Scheme 2023. Collection method: clinical testing. Allele origin: germline.
Comment: The p.Y306C variant (also known as c.917A>G), located in coding exon 1 of the MLH3 gene, results from an A to G substitution at nucleotide position 917. The tyrosine at codon 306 is replaced by cysteine, an amino acid with highly dissimilar properties. This amino acid position is conserved. In addition, this alteration is predicted to be deleterious by in silico analysis. Based on the available evidence, the clinical significance of this variant remains unclear.

Labcorp Genetics (formerly Invitae), Labcorp
Classification: Uncertain significance for Colorectal cancer, hereditary nonpolyposis, type 7. Last evaluated: 2024-03-07. Review status: criteria provided, single submitter. Criteria: Invitae Variant Classification Sherloc (09022015). Collection method: clinical testing. Allele origin: germline.
Comment: This sequence change replaces tyrosine, which is neutral and polar, with cysteine, which is neutral and slightly polar, at codon 306 of the MLH3 protein (p.Tyr306Cys). This variant is not present in population databases (gnomAD no frequency). This variant has not been reported in the literature in individuals affected with MLH3-related conditions. ClinVar contains an entry for this variant (Variation ID: 1061630). An algorithm developed to predict the effect of missense changes on protein structure and function (PolyPhen-2) suggests that this variant is likely to be disruptive. In summary, the available evidence is currently insufficient to determine the role of this variant in disease. Therefore, it has been classified as a Variant of Uncertain Significance.